The following is an entry in ClinVar:

ClinVar aggregate classification (germline): Uncertain significance. Review status: criteria provided, multiple submitters, no conflicts (2 of 4 stars). 2 submissions from 2 submitters: Uncertain significance (2). Last evaluated 2024-10-21.

Allele frequency attached by ClinVar (database versions not stated): gnomAD exomes 0.00001 and 0.00002; gnomAD 0.00011 and 0.00013; TOPMed 0.00011.
gnomAD v4.1: 29 of 1,545,726 alleles (0.0019%); highest among the groups gnomAD compares: African/African-American, 0.037%; no homozygotes.

Submissions (2):

Labcorp Genetics (formerly Invitae), Labcorp
Classification: Uncertain significance. Last evaluated: 2024-10-21. Review status: criteria provided, single submitter. Criteria: Invitae Variant Classification Sherloc (09022015). Collection method: clinical testing. Allele origin: germline.
Comment: This sequence change replaces glutamine, which is neutral and polar, with arginine, which is basic and polar, at codon 655 of the PDZD7 protein (p.Gln655Arg). This variant is present in population databases (no rsID available, gnomAD 0.04%). This variant has not been reported in the literature in individuals affected with PDZD7-related conditions. ClinVar contains an entry for this variant (Variation ID: 1007612). Invitae Evidence Modeling of protein sequence and biophysical properties (such as structural, functional, and spatial information, amino acid conservation, physicochemical variation, residue mobility, and thermodynamic stability) indicates that this missense variant is not expected to disrupt PDZD7 protein function with a negative predictive value of 80%. In summary, the available evidence is currently insufficient to determine the role of this variant in disease. Therefore, it has been classified as a Variant of Uncertain Significance.

Blueprint Genetics
Classification: Uncertain significance. Last evaluated: 2024-01-30. Review status: criteria provided, single submitter. Criteria: ACMG Guidelines, 2015. Collection method: clinical testing. Allele origin: germline.

NM_001195263.2(PDZD7):c.1964A>G (p.Gln655Arg)

Gene: PDZD7 (PDZ domain containing 7; minus strand). Cytogenetic location: 10q24.31.
Variant type: single nucleotide variant.
Coding change: c.1964A>G on transcript NM_001195263.2 (MANE Select); coding-DNA position 1964, A replaced by G.
Protein change: p.Gln655Arg; replaces glutamine 655 with arginine.
Molecular consequence: missense variant.
Genome position (GRCh38, 1-based): chr10:101,011,731, T>C on the plus strand (A>G on the coding strand, the complement: PDZD7 is on the minus strand). VCF-style: chr10-101011731-T-C. GRCh37 (hg19) VCF-style: chr10-102771488-T-C.
Other names: short protein forms Q655R.
Identifiers: ClinVar variation 1007612 (VCV001007612.7), dbSNP rs999884614, ClinGen allele CA212979458.
Genomic context (GRCh38, chr10:101,011,731, plus strand): 5'-CTCTGGGACTCTGACTGACCAGGCACGGGGGTGATAAGGTGACGCTTGGGTGGCGTGTCC[T>C]GCCGGGCTGGTCTCAAAGCAGGAGGCCGGACTGGTTGGAGAGATGAACAGGTCAGCGGCA-3'
Protein context (NP_001182192.1, residues 645-665): VRPPALRPAR[Gln655Arg]DTPPKRHLIT